The following is an entry in ClinVar:

NM_001190737.2(NFIB):c.557A>G (p.Glu186Gly)

Gene: NFIB (nuclear factor I B; minus strand). Cytogenetic location: 9p22.3.
Variant type: single nucleotide variant.
Coding change: c.557A>G on transcript NM_001190737.2 (MANE Select); coding-DNA position 557, A replaced by G.
Protein change: p.Glu186Gly; replaces glutamic acid 186 with glycine.
Molecular consequence: missense variant. On other transcripts: intron variant (3).
Genome position (GRCh38, 1-based): chr9:14,306,994, T>C on the plus strand (A>G on the coding strand, the complement: NFIB is on the minus strand). VCF-style: chr9-14306994-T-C. GRCh37 (hg19) VCF-style: chr9-14306993-T-C.
Other names: c.635A>G, p.Glu212Gly (NM_001190738.2); c.623A>G, p.Glu208Gly (NM_001369458.1, NM_001369459.1, NM_001369462.1 and 1 more transcripts); c.545A>G, p.Glu182Gly (NM_001369460.1, NM_001369463.1, NM_001369466.1 and 2 more transcripts); c.557A>G, p.Glu186Gly (NM_001369461.1, NM_001369464.1, NM_001369471.1 and 3 more transcripts); c.530A>G, p.Glu177Gly (NM_001369465.1, NM_001369467.1, NM_001369476.1); c.413A>G, p.Glu138Gly (NM_001369469.1); c.542A>G, p.Glu181Gly (NM_001369474.1); c.325+220A>G (NM_001369478.1, NM_001369470.1); and 1 more; short protein forms E138G, E177G, E181G, E182G, E186G, E208G, E212G.
Identifiers: ClinVar variation 2575825 (VCV002575825.1), dbSNP rs2060055229, ClinGen allele CA373089817.
Genomic context (GRCh38, chr9:14,306,994, plus strand): 5'-CGGAGATTTGTAGGCGGTGTTTGCCGTGCTAGAAAAAAGAACAATCTGCTCCTACCTTGC[T>C]CCTGCACGTAGTATGCCAAAAACAAATCAAGCTCCTTAACTGATACTGTGATATGATGTG-3'
Protein context (NP_001177666.1, residues 176-196): LDLFLAYYVQ[Glu186Gly]QDSGQSGSPS

ClinVar aggregate classification (germline): Uncertain significance (1 of 4 stars; one submission).

Allele frequency attached by ClinVar (database versions not stated): gnomAD exomes below 0.00001.
gnomAD v4.1: 2 of 1,614,030 alleles (0.00012%); highest among the groups gnomAD compares: Non-Finnish European, 0.00017%; no homozygotes.

Submission:

GeneDx
Classification: Uncertain significance. Last evaluated: 2023-02-09. Review status: criteria provided, single submitter. Criteria: GeneDx Variant Classification Process June 2021. Collection method: clinical testing. Allele origin: germline. Affected: yes.
Comment: Not observed at significant frequency in large population cohorts (gnomAD); In silico analysis supports that this missense variant has a deleterious effect on protein structure/function; Has not been previously published as pathogenic or benign to our knowledge